The following is an entry in ClinVar:

NM_014141.6(CNTNAP2):c.856C>T (p.Arg286Trp)

Gene: CNTNAP2 (contactin associated protein 2; plus strand). Cytogenetic location: 7q35.
Variant type: single nucleotide variant.
Coding change: c.856C>T on transcript NM_014141.6 (MANE Select); coding-DNA position 856, C replaced by T.
Protein change: p.Arg286Trp; replaces arginine 286 with tryptophan.
Molecular consequence: missense variant.
Genome position (GRCh38, 1-based): chr7:147,121,080, C>T. VCF-style: chr7-147121080-C-T. GRCh37 (hg19) VCF-style: chr7-146818172-C-T.
Other names: short protein forms R286W.
Identifiers: ClinVar variation 1057212 (VCV001057212.12), dbSNP rs764014323, ClinGen allele CA4545904.

ClinVar aggregate classification (germline): Uncertain significance. Review status: criteria provided, multiple submitters, no conflicts (2 of 4 stars). 2 submissions from 2 submitters: Uncertain significance (2). Last evaluated 2021-02-08.

Conditions:
Cortical dysplasia-focal epilepsy syndrome (PTHSL1). Also called: Pitt-Hopkins-like syndrome 1. Identifiers: Orphanet 163681, Orphanet 221150, MedGen C2750246, MONDO:0012400, OMIM 610042.

Allele frequency attached by ClinVar (database versions not stated): TOPMed below 0.00001; gnomAD 0.00001; ExAC 0.00002; gnomAD exomes 0.00002.
gnomAD v4.1: 29 of 1,613,990 alleles (0.0018%); highest among the groups gnomAD compares: South Asian, 0.0044%; no homozygotes.

Submissions (2):

Labcorp Genetics (formerly Invitae), Labcorp
Classification: Uncertain significance for Cortical dysplasia-focal epilepsy syndrome. Last evaluated: 2021-02-08. Review status: criteria provided, single submitter. Criteria: Invitae Variant Classification Sherloc (09022015). Collection method: clinical testing. Allele origin: germline.
Comment: This variant has not been reported in the literature in individuals with CNTNAP2-related conditions. In summary, the available evidence is currently insufficient to determine the role of this variant in disease. Therefore, it has been classified as a Variant of Uncertain Significance. Algorithms developed to predict the effect of missense changes on protein structure and function are either unavailable or do not agree on the potential impact of this missense change (SIFT: "Deleterious"; PolyPhen-2: "Probably Damaging"; Align-GVGD: "Class C0"). This variant is present in population databases (rs764014323, ExAC 0.006%). This sequence change replaces arginine with tryptophan at codon 286 of the CNTNAP2 protein (p.Arg286Trp). The arginine residue is moderately conserved and there is a moderate physicochemical difference between arginine and tryptophan.

GeneDx
Classification: Uncertain significance. Last evaluated: 2020-10-01. Review status: criteria provided, single submitter. Criteria: GeneDx Variant Classification Process June 2021. Collection method: clinical testing. Allele origin: germline. Affected: yes.
Comment: Not observed at a significant frequency in large population cohorts (Lek et al., 2016); In silico analysis supports that this missense variant has a deleterious effect on protein structure/function; Has not been previously published as pathogenic or benign to our knowledge